The following is an entry in ClinVar:

ClinVar aggregate classification (germline): Conflicting classifications of pathogenicity. Review status: criteria provided, conflicting classifications (1 of 4 stars). 5 submissions from 5 submitters: Likely pathogenic (1); Uncertain significance (3). 1 of the submissions does not count toward it. Last evaluated 2026-02-19.

Conditions:
Decreased circulating carnitine concentration. Also called: Decreased plasma carnitine. Identifiers: MedGen C5848230, HP:0003234.
Renal carnitine transport defect (CDSP). Also called: Carnitine Deficiency, Systemic; Primary carnitine deficiency; CARNITINE DEFICIENCY, SYSTEMIC, DUE TO DEFECT IN RENAL REABSORPTION OF CARNITINE; CARNITINE TRANSPORTER, PLASMA-MEMBRANE, DEFICIENCY OF; CARNITINE UPTAKE DEFECT; Systemic primary carnitine deficiency disease. Identifiers: Orphanet 158, MedGen C0342788, MONDO:0008919, OMIM 212140.

Allele frequency attached by ClinVar (database versions not stated): gnomAD 0.00001 and 0.00002; gnomAD exomes 0.00001 and 0.00006; TOPMed 0.00003.
gnomAD v4.1: 104 of 1,614,058 alleles (0.0064%); highest among the groups gnomAD compares: Non-Finnish European, 0.008%; no homozygotes.

Submissions (5):

Myriad Genetics, Inc.
Classification: Uncertain significance for Renal carnitine transport defect. Last evaluated: 2026-02-19. Review status: criteria provided, single submitter. Criteria: Myriad Autosomal Dominant, Autosomal Recessive and X-Linked Classification Criteria (2023). Collection method: clinical testing. Allele origin: unknown.
Comment: NM_003060.3(SLC22A5):c.1360T>C(Y454H) is a missense variant classified as a variant of uncertain significance in the context of primary carnitine deficiency. Y454H has not been observed in cases with relevant disease. Relevant functional assessments of this variant are available in the literature (PMID: 36343260). Y454H has been observed in referenced population frequency databases. In summary, there is insufficient evidence to classify NM_003060.3(SLC22A5):c.1360T>C(Y454H) as pathogenic or benign. Please note: this variant was assessed in the context of healthy population screening.

GeneDx
Classification: Likely pathogenic. Last evaluated: 2025-05-30. Review status: criteria provided, single submitter. Criteria: GeneDx Variant Classification Process June 2021. Collection method: clinical testing. Allele origin: germline. Affected: yes.
Comment: Has not been previously published as pathogenic or benign to our knowledge; Not observed at significant frequency in large population cohorts (gnomAD); In silico analysis supports that this missense variant has a deleterious effect on protein structure/function

Giacomini Lab, University of California, San Francisco
Classification: Uncertain significance for Renal carnitine transport defect. Last evaluated: 2022-10-03. Review status: criteria provided, single submitter. Criteria: ACMG Guidelines, 2015. Collection method: research, in vitro. Allele origin: germline, not applicable.

Labcorp Genetics (formerly Invitae), Labcorp
Classification: Uncertain significance for Renal carnitine transport defect. Last evaluated: 2022-03-26. Review status: criteria provided, single submitter. Criteria: Invitae Variant Classification Sherloc (09022015). Collection method: clinical testing. Allele origin: germline.
Comment: This sequence change replaces tyrosine, which is neutral and polar, with histidine, which is basic and polar, at codon 454 of the SLC22A5 protein (p.Tyr454His). This variant is present in population databases (rs766555353, gnomAD 0.003%). This variant has not been reported in the literature in individuals affected with SLC22A5-related conditions. ClinVar contains an entry for this variant (Variation ID: 656943). Advanced modeling of protein sequence and biophysical properties (such as structural, functional, and spatial information, amino acid conservation, physicochemical variation, residue mobility, and thermodynamic stability) performed at Invitae indicates that this missense variant is expected to disrupt SLC22A5 protein function. In summary, the available evidence is currently insufficient to determine the role of this variant in disease. Therefore, it has been classified as a Variant of Uncertain Significance.

Natera, Inc.
Classification: Uncertain significance for Carnitine deficiency. Last evaluated: 2020-12-16. Review status: no assertion criteria provided. Collection method: clinical testing. Allele origin: germline. Not counted in ClinVar's aggregate classification.

Literature cited by the submitters: PubMed 36343260 (cited by Myriad Genetics, Inc.).

NM_003060.4(SLC22A5):c.1360T>C (p.Tyr454His)

Gene: SLC22A5 (solute carrier family 22 member 5; plus strand). Cytogenetic location: 5q31.1.
Variant type: single nucleotide variant.
Coding change: c.1360T>C on transcript NM_003060.4 (MANE Select); coding-DNA position 1360, T replaced by C.
Protein change: p.Tyr454His; replaces tyrosine 454 with histidine.
Molecular consequence: missense variant.
Genome position (GRCh38, 1-based): chr5:132,392,525, T>C. VCF-style: chr5-132392525-T-C. GRCh37 (hg19) VCF-style: chr5-131728217-T-C.
Other names: p.Tyr454His; c.1432T>C, p.Tyr478His (NM_001308122.2); short protein forms Y454H, Y478H.
Identifiers: ClinVar variation 656943 (VCV000656943.13), dbSNP rs766555353, ClinGen allele CA127212641.
Genomic context (GRCh38, chr5:132,392,525, plus strand): 5'-GTGGGCAAGTTTGGAGTCACGGCTGCCTTTTCCATGGTCTACGTGTACACAGCCGAGCTG[T>C]ATCCCACAGTGGTGAGAAACATGGGTGTGGGAGTCAGCTCCACAGCATCCCGCCTGGGCA-3'
Protein context (NP_003051.1, residues 444-464): SMVYVYTAEL[Tyr454His]PTVVRNMGVG